The following is an entry in ClinVar:

NM_001177316.2(SLC34A3):c.1613G>A (p.Arg538Gln)

Gene: SLC34A3 (solute carrier family 34 member 3; plus strand). Cytogenetic location: 9q34.3.
Variant type: single nucleotide variant.
Coding change: c.1613G>A on transcript NM_001177316.2 (MANE Select); coding-DNA position 1613, G replaced by A.
Protein change: p.Arg538Gln; replaces arginine 538 with glutamine.
Molecular consequence: missense variant.
Genome position (GRCh38, 1-based): chr9:137,236,229, G>A. VCF-style: chr9-137236229-G-A. GRCh37 (hg19) VCF-style: chr9-140130681-G-A.
Other names: c.1613G>A, p.Arg538Gln (NM_001177317.2, NM_080877.3); c.1613G>A (NM_080877.2); short protein forms R538Q.
Identifiers: ClinVar variation 1905652 (VCV001905652.4), dbSNP rs145700867, ClinGen allele CA5365014.
Genomic context (GRCh38, chr9:137,236,229, plus strand): 5'-GGGGTCCCCTGGTGGGGCTGGTGCTCCTCGTCATCCTGGTTACTGTCCTGCAGCGGCGCC[G>A]GCCGGCCTGGCTGCCTGTCCGCCTGCGCTCCTGGGCCTGGCTCCCCGTCTGGCTCCATTC-3'
Protein context (NP_001170787.2, residues 528-548): VILVTVLQRR[Arg538Gln]PAWLPVRLRS

ClinVar aggregate classification (germline): Uncertain significance. Review status: criteria provided, multiple submitters, no conflicts (2 of 4 stars). 2 submissions from 2 submitters: Uncertain significance (2). Last evaluated 2023-05-04.

Conditions:
Inborn genetic diseases. Identifiers: MedGen C0950123, MeSH D030342.

Allele frequency attached by ClinVar (database versions not stated): TOPMed 0.00003; gnomAD 0.00005; ExAC 0.00016; 1000 Genomes Project 30x 0.00031; 1000 Genomes Project 0.00040.
gnomAD v4.1: 62 of 1,559,032 alleles (0.004%); highest among the groups gnomAD compares: East Asian, 0.046%; no homozygotes.

Submissions (2):

Ambry Genetics
Classification: Uncertain significance for Inborn genetic diseases. Last evaluated: 2023-05-04. Review status: criteria provided, single submitter. Criteria: Ambry Variant Classification Scheme 2023. Collection method: clinical testing. Allele origin: germline.

Labcorp Genetics (formerly Invitae), Labcorp
Classification: Uncertain significance. Last evaluated: 2022-08-16. Review status: criteria provided, single submitter. Criteria: Invitae Variant Classification Sherloc (09022015). Collection method: clinical testing. Allele origin: germline.
Comment: This sequence change replaces arginine, which is basic and polar, with glutamine, which is neutral and polar, at codon 538 of the SLC34A3 protein (p.Arg538Gln). This variant is present in population databases (rs145700867, gnomAD 0.03%). This variant has not been reported in the literature in individuals affected with SLC34A3-related conditions. Algorithms developed to predict the effect of missense changes on protein structure and function output the following: SIFT: "Tolerated"; PolyPhen-2: "Benign"; Align-GVGD: "Class C0". The glutamine amino acid residue is found in multiple mammalian species, which suggests that this missense change does not adversely affect protein function. In summary, the available evidence is currently insufficient to determine the role of this variant in disease. Therefore, it has been classified as a Variant of Uncertain Significance.